The following is an entry in ClinVar:

ClinVar aggregate classification (germline): Uncertain significance (1 of 4 stars; one submission).

Conditions:
Hereditary cancer-predisposing syndrome. Also called: Tumor predisposition; Neoplastic Syndromes, Hereditary; Hereditary neoplastic syndrome; Hereditary Cancer Syndrome. Identifiers: Orphanet 140162, MedGen C0027672, MeSH D009386, MONDO:0015356.

Submission:

Ambry Genetics
Classification: Uncertain significance for Hereditary cancer-predisposing syndrome. Last evaluated: 2025-08-27. Review status: criteria provided, single submitter. Criteria: Ambry Variant Classification Scheme 2023. Collection method: clinical testing. Allele origin: germline.
Comment: The p.P471L variant (also known as c.1412C>T), located in coding exon 14 of the MUTYH gene, results from a C to T substitution at nucleotide position 1412. The proline at codon 471 is replaced by leucine, an amino acid with similar properties. This amino acid position is conserved. In addition, the in silico prediction for this alteration is inconclusive. Based on the available evidence, the clinical significance of this variant remains unclear.

NM_001048174.2(MUTYH):c.1328C>T (p.Pro443Leu)

Gene: MUTYH (mutY DNA glycosylase; minus strand). Cytogenetic location: 1p34.1.
Variant type: single nucleotide variant.
Coding change: c.1328C>T on transcript NM_001048174.2 (MANE Select); coding-DNA position 1328, C replaced by T.
Protein change: p.Pro443Leu; replaces proline 443 with leucine.
Molecular consequence: missense variant. On other transcripts: non-coding transcript variant (7).
Genome position (GRCh38, 1-based): chr1:45,331,246, G>A on the plus strand (C>T on the coding strand, the complement: MUTYH is on the minus strand). VCF-style: chr1-45331246-G-A. GRCh37 (hg19) VCF-style: chr1-45796918-G-A.
Other names: c.1328C>T, p.Pro443Leu (NM_001048171.2, NM_001048173.2, NM_001293195.2 and 6 more transcripts); c.1331C>T, p.Pro444Leu (NM_001048172.2, NM_001407078.1, NM_001407071.1 and 1 more transcripts); c.1412C>T, p.Pro471Leu (NM_001128425.2); c.1373C>T, p.Pro458Leu (NM_001293190.2); c.1361C>T, p.Pro454Leu (NM_001293191.2, NM_001407077.1, NM_001407069.1); c.1052C>T, p.Pro351Leu (NM_001293192.2, NM_001293196.2, NM_001407091.1); c.983C>T, p.Pro328Leu (NM_001350650.2, NM_001350651.2, NM_001407082.1); c.1244C>T, p.Pro415Leu (NM_001407075.1); and 5 more; short protein forms P328L, P351L, P429L, P430L, P444L, P454L, P443L, P457L.
Identifiers: ClinVar variation 4113232 (VCV004113232.1).
Genomic context (GRCh38, chr1:45,331,246, plus strand): 5'-TTCATGGCGGTGGAAACAGCTGCGGTGTGAAATTCCTCCTGCGTCAGCCAGCGAGCACCT[G>A]GTGGTACGGTGGTCACTGGGGTCTGCCCTTCCAAGGCCAGCCCATATACTTGATATGTCA-3'
Protein context (NP_001041639.1, residues 433-453): EGQTPVTTVP[Pro443Leu]GARWLTQEEF